The following is an entry in ClinVar:

NM_004991.4(MECOM):c.806A>T (p.Asp269Val)

Gene: MECOM (MDS1 and EVI1 complex locus; minus strand). Cytogenetic location: 3q26.2.
Variant type: single nucleotide variant.
Coding change: c.806A>T on transcript NM_004991.4 (MANE Select); coding-DNA position 806, A replaced by T.
Protein change: p.Asp269Val; replaces aspartic acid 269 with valine.
Molecular consequence: missense variant.
Genome position (GRCh38, 1-based): chr3:169,127,868, T>A on the plus strand (A>T on the coding strand, the complement: MECOM is on the minus strand). VCF-style: chr3-169127868-T-A. GRCh37 (hg19) VCF-style: chr3-168845656-T-A.
Other names: c.434A>T, p.Asp145Val (NM_001105077.4); c.242A>T, p.Asp81Val (NM_001105078.4, NM_001163999.2, NM_001164000.2 and 9 more transcripts); c.806A>T, p.Asp269Val (NM_001366466.2, NM_001366473.2); short protein forms D81V, D145V, D269V.
Identifiers: ClinVar variation 3871886 (VCV003871886.1).

ClinVar aggregate classification (germline): Uncertain significance (1 of 4 stars; one submission).

Conditions:
Inborn genetic diseases. Identifiers: MedGen C0950123, MeSH D030342.

gnomAD v4.1: 6 of 1,613,858 alleles (0.00037%); highest among the groups gnomAD compares: Admixed American, 0.0067%; no homozygotes.

Submission:

Ambry Genetics
Classification: Uncertain significance for Inborn genetic diseases. Last evaluated: 2025-03-08. Review status: criteria provided, single submitter. Criteria: Ambry Variant Classification Scheme 2023. Collection method: clinical testing. Allele origin: germline.
Comment: The p.D269V variant (also known as c.806A>T), located in coding exon 5 of the MECOM gene, results from an A to T substitution at nucleotide position 806. The aspartic acid at codon 269 is replaced by valine, an amino acid with highly dissimilar properties. This amino acid position is conserved. In addition, the in silico prediction for this alteration is inconclusive. Based on the available evidence, the clinical significance of this variant remains unclear.